The following is an entry in ClinVar:

ClinVar aggregate classification (germline): Uncertain significance (1 of 4 stars; one submission).

Conditions:
Familial acute necrotizing encephalopathy (IIAE3). Also called: ENCEPHALOPATHY, ACUTE, INFECTION-INDUCED, SUSCEPTIBILITY TO, 3; Susceptibility to Acute Necrotizing Encephalopathy 1. Identifiers: Orphanet 88619, MedGen C2675556, MONDO:0011953, OMIM 608033.

Allele frequency attached by ClinVar (database versions not stated): gnomAD exomes below 0.00001; gnomAD 0.00001; ExAC 0.00002.
gnomAD v4.1: 2 of 1,597,472 alleles (0.00013%); highest among the groups gnomAD compares: Admixed American, 0.0017%; no homozygotes.

Submission:

Laboratorio de Genetica e Diagnostico Molecular, Hospital Israelita Albert Einstein
Classification: Uncertain significance for Familial acute necrotizing encephalopathy. Last evaluated: 2022-07-01. Review status: criteria provided, single submitter. Criteria: ACMG Guidelines, 2015. Collection method: clinical testing. Allele origin: germline. Affected: yes. Observed: 2 variant alleles.
Comment: ACMG classification criteria: PM2 moderated, BP4 supporting

NM_006267.5(RANBP2):c.519G>T (p.Glu173Asp)

Gene: RANBP2 (RAN binding protein 2; plus strand). Cytogenetic location: 2q13.
Variant type: single nucleotide variant.
Coding change: c.519G>T on transcript NM_006267.5 (MANE Select); coding-DNA position 519, G replaced by T.
Protein change: p.Glu173Asp; replaces glutamic acid 173 with aspartic acid.
Molecular consequence: missense variant.
Genome position (GRCh38, 1-based): chr2:108,735,645, G>T. VCF-style: chr2-108735645-G-T. GRCh37 (hg19) VCF-style: chr2-109352101-G-T.
Other names: c.519G>T, p.Glu173Asp (NM_001415871.1, NM_001415873.1); c.516G>T, p.Glu172Asp (NM_001415872.1); short protein forms E172D, E173D.
Identifiers: ClinVar variation 2431462 (VCV002431462.1), dbSNP rs771222885, ClinGen allele CA1822049.
Genomic context (GRCh38, chr2:108,735,645, plus strand): 5'-GATTCAGTCAGAACTTTATGTAAGACCTGATGACGTCCATGTGAACATCCGGCTAGTGGA[G>T]GTGTATCGCTCAACTAAAAGATTGAAGGATGCTGTGGCCCACTGCCATGAGGCAGAGAGG-3'
Protein context (NP_006258.3, residues 163-183): DDVHVNIRLV[Glu173Asp]VYRSTKRLKD